The following is an entry in ClinVar:

NM_001195263.2(PDZD7):c.548A>T (p.Asp183Val)

Gene: PDZD7 (PDZ domain containing 7; minus strand). Cytogenetic location: 10q24.31.
Variant type: single nucleotide variant.
Coding change: c.548A>T on transcript NM_001195263.2 (MANE Select); coding-DNA position 548, A replaced by T.
Protein change: p.Asp183Val; replaces aspartic acid 183 with valine.
Molecular consequence: missense variant.
Genome position (GRCh38, 1-based): chr10:101,022,380, T>A on the plus strand (A>T on the coding strand, the complement: PDZD7 is on the minus strand). VCF-style: chr10-101022380-T-A. GRCh37 (hg19) VCF-style: chr10-102782137-T-A.
Other names: c.548A>T, p.Asp183Val (NM_001351044.2, NM_024895.5); short protein forms D183V.
Identifiers: ClinVar variation 953097 (VCV000953097.7), dbSNP rs770676126, ClinGen allele CA212988444.
Genomic context (GRCh38, chr10:101,022,380, plus strand): 5'-GAGCTGGTGTCGGAGGGTGTTGAACCGCACTTCTCCACTACCAGGCGCCGATTCACCACA[T>A]CCACCCTGGACAACAGCAGGGGGCCCTCAGGTGGGGTCCTCCATCCACTGCCACCCACCA-3'
Protein context (NP_001182192.1, residues 173-193): KFSKEKTTWV[Asp183Val]VVNRRLVVEK

ClinVar aggregate classification (germline): Uncertain significance (1 of 4 stars; one submission).

Allele frequency attached by ClinVar (database versions not stated): gnomAD 0.00001; gnomAD exomes 0.00002; TOPMed 0.00002.
gnomAD v4.1: 28 of 1,613,948 alleles (0.0017%); highest among the groups gnomAD compares: Non-Finnish European, 0.0023%; no homozygotes.

Submission:

Labcorp Genetics (formerly Invitae), Labcorp
Classification: Uncertain significance. Last evaluated: 2026-01-26. Review status: criteria provided, single submitter. Criteria: Invitae Variant Classification Sherloc (09022015). Collection method: clinical testing. Allele origin: germline.
Comment: This sequence change replaces aspartic acid, which is acidic and polar, with valine, which is neutral and non-polar, at codon 183 of the PDZD7 protein (p.Asp183Val). This variant is not present in population databases (gnomAD no frequency). This variant has not been reported in the literature in individuals affected with PDZD7-related conditions. ClinVar contains an entry for this variant (Variation ID: 953097). Invitae Evidence Modeling of protein sequence and biophysical properties (such as structural, functional, and spatial information, amino acid conservation, physicochemical variation, residue mobility, and thermodynamic stability) has been performed for this missense variant. However, the output from this modeling did not meet the statistical confidence thresholds required to predict the impact of this variant on PDZD7 protein function. In summary, the available evidence is currently insufficient to determine the role of this variant in disease. Therefore, it has been classified as a Variant of Uncertain Significance.